The following is an entry in ClinVar:

ClinVar aggregate classification (germline): Pathogenic/Likely pathogenic. Review status: criteria provided, multiple submitters, no conflicts (2 of 4 stars). 4 submissions from 4 submitters: Pathogenic (1); Likely pathogenic (3). Last evaluated 2024-12-27.

Conditions:
Primary ciliary dyskinesia 3. Identifiers: Orphanet 244, MedGen C1837618, MONDO:0012085, OMIM 608644.
DNAH5-related disorders.
Primary ciliary dyskinesia. Also called: Ciliary dyskinesia. Identifiers: Orphanet 244, MedGen C0008780, MONDO:0016575, HP:0012265.

Allele frequency attached by ClinVar (database versions not stated): gnomAD exomes below 0.00001; ExAC 0.00001.

Submissions (4):

Natera, Inc.
Classification: Likely pathogenic for Primary ciliary dyskinesia. Last evaluated: 2024-12-27. Review status: criteria provided, single submitter. Criteria: Natera Variant Classification Schema (03/2026). Collection method: clinical testing. Allele origin: germline.
Comment: The c.5131C>T variant in DNAH5 is a nonsense variant predicted to introduce a stop codon at amino acid 1711. This variant is expected to result in nonsense mediated decay, truncation, or a dysfunctional protein product. This variant is rare in the general population with a frequency below the threshold expected for the associated phenotype(s). Given the available evidence, this variant is classified as Likely Pathogenic.

Fulgent Genetics
Classification: Likely pathogenic for Primary ciliary dyskinesia 3. Last evaluated: 2024-03-30. Review status: criteria provided, single submitter. Criteria: ACMG Guidelines, 2015. Collection method: clinical testing. Allele origin: germline.

Blueprint Genetics
Classification: Likely pathogenic for DNAH5-related disorders. Last evaluated: 2024-01-29. Review status: criteria provided, single submitter. Criteria: ACMG Guidelines, 2015. Collection method: clinical testing. Allele origin: germline. Affected: yes. Observed: 2 variant alleles.

Labcorp Genetics (formerly Invitae), Labcorp
Classification: Pathogenic for Primary ciliary dyskinesia. Last evaluated: 2023-08-04. Review status: criteria provided, single submitter. Criteria: Invitae Variant Classification Sherloc (09022015). Collection method: clinical testing. Allele origin: germline.
Comment: For these reasons, this variant has been classified as Pathogenic. Algorithms developed to predict the effect of sequence changes on RNA splicing suggest that this variant may disrupt the consensus splice site. ClinVar contains an entry for this variant (Variation ID: 939448). This variant has not been reported in the literature in individuals affected with DNAH5-related conditions. This variant is present in population databases (rs760869074, gnomAD 0.0009%). This sequence change creates a premature translational stop signal (p.Arg1711*) in the DNAH5 gene. It is expected to result in an absent or disrupted protein product. Loss-of-function variants in DNAH5 are known to be pathogenic (PMID: 11788826, 16627867).

Literature cited by the submitters: PubMed 11788826 (cited by Labcorp Genetics (formerly Invitae), Labcorp); PubMed 16627867 (cited by Labcorp Genetics (formerly Invitae), Labcorp).

NM_001369.3(DNAH5):c.5131C>T (p.Arg1711Ter)

Gene: DNAH5 (dynein axonemal heavy chain 5; minus strand). Cytogenetic location: 5p15.2.
Variant type: single nucleotide variant.
Coding change: c.5131C>T on transcript NM_001369.3 (MANE Select); coding-DNA position 5131, C replaced by T.
Protein change: p.Arg1711Ter; replaces arginine 1711 with a stop codon.
Molecular consequence: nonsense.
Genome position (GRCh38, 1-based): chr5:13,844,977, G>A on the plus strand (C>T on the coding strand, the complement: DNAH5 is on the minus strand). VCF-style: chr5-13844977-G-A. GRCh37 (hg19) VCF-style: chr5-13845086-G-A.
Other names: short protein forms R1711*.
Identifiers: ClinVar variation 939448 (VCV000939448.12), dbSNP rs760869074, ClinGen allele CA3203780.